The following is an entry in ClinVar:

ClinVar aggregate classification (germline): Conflicting classifications of pathogenicity. Review status: criteria provided, conflicting classifications (1 of 4 stars). 3 submissions from 3 submitters: Uncertain significance (2); Likely benign (1). Last evaluated 2022-08-17.

Conditions:
Primary ciliary dyskinesia 17. Also called: CILIARY DYSKINESIA, PRIMARY, 17, WITH OR WITHOUT SITUS INVERSUS. Identifiers: Orphanet 244, MedGen C3542550, MONDO:0013854, OMIM 614679.
Primary ciliary dyskinesia. Also called: Ciliary dyskinesia. Identifiers: Orphanet 244, MedGen C0008780, MONDO:0016575, HP:0012265.

Allele frequency attached by ClinVar (database versions not stated): gnomAD exomes 0.00010 and 0.00019; ExAC 0.00016; 1000 Genomes Project 0.00020; 1000 Genomes Project 30x 0.00031; gnomAD 0.00050 and 0.00058; TOPMed 0.00056; ESP Exome Variant Server 0.00069.
gnomAD v4.1: 234 of 1,614,056 alleles (0.014%); highest among the groups gnomAD compares: African/African-American, 0.18%; no homozygotes.

Submissions (3):

Labcorp Genetics (formerly Invitae), Labcorp
Classification: Uncertain significance for Primary ciliary dyskinesia. Last evaluated: 2022-08-17. Review status: criteria provided, single submitter. Criteria: Invitae Variant Classification Sherloc (09022015). Collection method: clinical testing. Allele origin: germline.
Comment: This sequence change replaces proline, which is neutral and non-polar, with leucine, which is neutral and non-polar, at codon 92 of the CCDC103 protein (p.Pro92Leu). This variant is present in population databases (rs142342712, gnomAD 0.2%). This variant has not been reported in the literature in individuals affected with CCDC103-related conditions. ClinVar contains an entry for this variant (Variation ID: 411698). Algorithms developed to predict the effect of missense changes on protein structure and function output the following: SIFT: "Tolerated"; PolyPhen-2: "Benign"; Align-GVGD: "Class C0". The leucine amino acid residue is found in multiple mammalian species, which suggests that this missense change does not adversely affect protein function. In summary, the available evidence is currently insufficient to determine the role of this variant in disease. Therefore, it has been classified as a Variant of Uncertain Significance.

Ambry Genetics
Classification: Likely benign for Primary ciliary dyskinesia. Last evaluated: 2021-10-12. Review status: criteria provided, single submitter. Criteria: Ambry Variant Classification Scheme 2023. Collection method: clinical testing. Allele origin: germline.

Baylor Genetics
Classification: Uncertain significance for Primary ciliary dyskinesia 17. Last evaluated: 2018-02-13. Review status: criteria provided, single submitter. Criteria: ACMG Guidelines, 2015. Collection method: clinical testing. Allele origin: maternal. Affected: yes.
Comment: This variant was determined to be of uncertain significance according to ACMG Guidelines, 2015 [PMID:25741868].

NM_213607.3(DNAAF19):c.275C>T (p.Pro92Leu)

Gene: DNAAF19 (dynein axonemal assembly factor 19; plus strand). Cytogenetic location: 17q21.31.
Variant type: single nucleotide variant.
Coding change: c.275C>T on transcript NM_213607.3 (MANE Select); coding-DNA position 275, C replaced by T.
Protein change: p.Pro92Leu; replaces proline 92 with leucine.
Molecular consequence: missense variant.
Genome position (GRCh38, 1-based): chr17:44,901,651, C>T. VCF-style: chr17-44901651-C-T. GRCh37 (hg19) VCF-style: chr17-42979019-C-T.
Other names: c.275C>T, p.Pro92Leu (NM_001258395.2, NM_001258396.2, NM_001258397.3 and 2 more transcripts); short protein forms P92L.
Identifiers: ClinVar variation 411698 (VCV000411698.19), dbSNP rs142342712, ClinGen allele CA8608314.